The following is an entry in ClinVar:

NM_001267550.2(TTN):c.95302G>C (p.Val31768Leu)

Genes: TTN (titin; minus strand), TTN-AS1 (TTN antisense RNA 1; plus strand). Cytogenetic location: 2q31.2.
Variant type: single nucleotide variant.
Coding change: c.95302G>C on transcript NM_001267550.2 (MANE Select); coding-DNA position 95302, G replaced by C.
Protein change: p.Val31768Leu; replaces valine 31768 with leucine.
Molecular consequence: missense variant.
Genome position (GRCh38, 1-based): chr2:178,545,934, C>G on the plus strand (G>C on the coding strand, the complement: TTN is on the minus strand). VCF-style: chr2-178545934-C-G. GRCh37 (hg19) VCF-style: chr2-179410661-C-G.
Other names: c.90379G>C, p.Val30127Leu (NM_001256850.1); c.68107G>C, p.Val22703Leu (NM_003319.4); c.87598G>C, p.Val29200Leu (NM_133378.4); c.68482G>C, p.Val22828Leu (NM_133432.3); c.68683G>C, p.Val22895Leu (NM_133437.4); short protein forms V22703L, V22828L, V31768L, V29200L, V22895L, V30127L.
Identifiers: ClinVar variation 1495759 (VCV001495759.6), dbSNP rs1696890603, ClinGen allele CA349463113.

ClinVar aggregate classification (germline): Uncertain significance (1 of 4 stars; one submission).

Conditions:
Dilated cardiomyopathy 1G (CMD1G). Identifiers: Orphanet 154, MedGen C1858763, MONDO:0011400, OMIM 604145.
Autosomal recessive limb-girdle muscular dystrophy type 2J (LGMDR10). Also called: Limb-girdle muscular dystrophy, type 2J; MUSCULAR DYSTROPHY, LIMB-GIRDLE, AUTOSOMAL RECESSIVE 10. Identifiers: Orphanet 140922, MedGen C1837342, MONDO:0012127, OMIM 608807.

Allele frequency attached by ClinVar (database versions not stated): TOPMed below 0.00001.
gnomAD v4.1: 2 of 1,613,874 alleles (0.00012%); highest among the groups gnomAD compares: Non-Finnish European, 0.00017%; no homozygotes.

Submission:

Labcorp Genetics (formerly Invitae), Labcorp
Classification: Uncertain significance for Dilated cardiomyopathy 1G; Autosomal recessive limb-girdle muscular dystrophy type 2J. Last evaluated: 2021-06-10. Review status: criteria provided, single submitter. Criteria: Invitae Variant Classification Sherloc (09022015). Collection method: clinical testing. Allele origin: germline.
Comment: This variant is not present in population databases (ExAC no frequency). This variant has not been reported in the literature in individuals with TTN-related conditions. Experimental studies and prediction algorithms are not available or were not evaluated, and the functional significance of this variant is currently unknown. In summary, the available evidence is currently insufficient to determine the role of this variant in disease. Therefore, it has been classified as a Variant of Uncertain Significance. This variant is located in the A band of TTN (PMID: 25589632). Variants in this region may be relevant for cardiac or neuromuscular disorders (PMID: 25589632, 23975875). This sequence change replaces valine with leucine at codon 31768 of the TTN protein (p.Val31768Leu). There is a small physicochemical difference between valine and leucine.

Literature cited by the submitters: PubMed 25589632; PubMed 23975875.